The following is an entry in ClinVar:

NM_144997.7(FLCN):c.54T>C (p.Thr18=)

Gene: FLCN (folliculin; minus strand). Cytogenetic location: 17p11.2.
Variant type: single nucleotide variant.
Coding change: c.54T>C on transcript NM_144997.7 (MANE Select); coding-DNA position 54, T replaced by C.
Protein change: p.Thr18=; no amino-acid change (threonine 18 retained).
Molecular consequence: synonymous variant.
Genome position (GRCh38, 1-based): chr17:17,228,084, A>G on the plus strand (T>C on the coding strand, the complement: FLCN is on the minus strand). VCF-style: chr17-17228084-A-G. GRCh37 (hg19) VCF-style: chr17-17131398-A-G.
Other names: c.54T>C, p.Thr18= (NM_001353229.2, NM_001353230.2, NM_001353231.2 and 1 more transcripts).
Identifiers: ClinVar variation 2741640 (VCV002741640.5), dbSNP rs2544314006, ClinGen allele CA498421692.

ClinVar aggregate classification (germline): Benign/Likely benign. Review status: criteria provided, multiple submitters, no conflicts (2 of 4 stars). 3 submissions from 3 submitters: Benign (1); Likely benign (2). Last evaluated 2024-10-22.

Conditions:
Hereditary cancer-predisposing syndrome. Also called: Hereditary neoplastic syndrome; Hereditary Cancer Syndrome; Neoplastic Syndromes, Hereditary; Tumor predisposition. Identifiers: Orphanet 140162, MedGen C0027672, MeSH D009386, MONDO:0015356.
Birt-Hogg-Dube syndrome. Also called: Birt Hogg Dubé syndrome. Identifiers: Orphanet 122, MedGen C0346010, MONDO:0800444.
Birt-Hogg-Dube syndrome 1 (BHD1). Also called: FIBROFOLLICULOMAS WITH TRICHODISCOMAS AND ACROCHORDONS. Identifiers: Orphanet 122, MedGen CN375946, MONDO:0800445, OMIM 135150.

Submissions (3):

Myriad Genetics, Inc.
Classification: Benign for Birt-Hogg-Dube syndrome 1. Last evaluated: 2024-10-22. Review status: criteria provided, single submitter. Criteria: Myriad Autosomal Dominant, Autosomal Recessive and X-Linked Classification Criteria (2023). Collection method: clinical testing. Allele origin: unknown.
Comment: This variant is considered benign. This variant is a silent/synonymous amino acid change and it is not expected to impact splicing.

Ambry Genetics
Classification: Likely benign for Hereditary cancer-predisposing syndrome. Last evaluated: 2024-06-07. Review status: criteria provided, single submitter. Criteria: Ambry Variant Classification Scheme 2023. Collection method: clinical testing. Allele origin: germline.

Labcorp Genetics (formerly Invitae), Labcorp
Classification: Likely benign for Birt-Hogg-Dube syndrome. Last evaluated: 2023-07-19. Review status: criteria provided, single submitter. Criteria: Invitae Variant Classification Sherloc (09022015). Collection method: clinical testing. Allele origin: germline.